The following is an entry in ClinVar:

ClinVar aggregate classification (germline): Uncertain significance (1 of 4 stars; one submission).

Allele frequency attached by ClinVar (database versions not stated): gnomAD exomes below 0.00001.
gnomAD v4.1: 1 of 1,613,402 alleles (0.000062%); highest among the groups gnomAD compares: Non-Finnish European, 0.000085%; no homozygotes.

Submission:

Women's Health and Genetics/Laboratory Corporation of America, LabCorp
Classification: Uncertain significance. Last evaluated: 2023-07-20. Review status: criteria provided, single submitter. Criteria: LabCorp Variant Classification Summary - May 2015. Collection method: clinical testing. Allele origin: germline.
Comment: Variant summary: USP7 c.1838T>C (p.Met613Thr) results in a non-conservative amino acid change in the encoded protein sequence. Three of five in-silico tools predict a benign effect of the variant on protein function. 4/4 computational tools predict no significant impact on normal splicing. However, these predictions have yet to be confirmed by functional studies. The variant was absent in 250978 control chromosomes (gnomAD). The available data on variant occurrences in the general population are insufficient to allow any conclusion about variant significance. To our knowledge, no occurrence of c.1838T>C in individuals affected with Hao-Fountain Syndrome and no experimental evidence demonstrating its impact on protein function have been reported. No submitters have cited clinical-significance assessments for this variant to ClinVar after 2014. Based on the evidence outlined above, the variant was classified as uncertain significance.

NM_003470.3(USP7):c.1838T>C (p.Met613Thr)

Gene: USP7 (ubiquitin specific peptidase 7; minus strand). Cytogenetic location: 16p13.2.
Variant type: single nucleotide variant.
Coding change: c.1838T>C on transcript NM_003470.3 (MANE Select); coding-DNA position 1838, T replaced by C.
Protein change: p.Met613Thr; replaces methionine 613 with threonine.
Molecular consequence: missense variant. On other transcripts: non-coding transcript variant (1).
Genome position (GRCh38, 1-based): chr16:8,903,269, A>G on the plus strand (T>C on the coding strand, the complement: USP7 is on the minus strand). VCF-style: chr16-8903269-A-G. GRCh37 (hg19) VCF-style: chr16-8997126-A-G.
Other names: c.1790T>C, p.Met597Thr (NM_001286457.2); c.1541T>C, p.Met514Thr (NM_001286458.2); c.1664T>C, p.Met555Thr (NM_001321858.2); short protein forms M514T, M555T, M597T, M613T.
Identifiers: ClinVar variation 2577392 (VCV002577392.1), dbSNP rs2549226211, ClinGen allele CA394700872.
Genomic context (GRCh38, chr16:8,903,269, plus strand): 5'-CGGAAGGAAGGTGGACGTTGGGAGCCACGGTGGGGTATATCCACGGGACCGGTACGCACC[A>G]TGGTCTGAGAGAGGCTCTGAACAAACTCAGCAAGCGAGGAGTTCTTCAATACTTTGAACA-3'
Protein context (NP_003461.2, residues 603-623): AEFVQSLSQT[Met613Thr]GFPQDQIRLW